The following is an entry in ClinVar:

NM_000268.4(NF2):c.1340+1G>C

Gene: NF2 (NF2, moesin-ezrin-radixin like (MERLIN) tumor suppressor; plus strand). Cytogenetic location: 22q12.2.
Variant type: single nucleotide variant.
Coding change: c.1340+1G>C on transcript NM_000268.4 (MANE Select); the canonical splice donor site of the intron after coding-DNA position 1340, G replaced by C.
Molecular consequence: splice donor variant. On other transcripts: intron variant (1).
Genome position (GRCh38, 1-based): chr22:29,673,487, G>C. VCF-style: chr22-29673487-G-C. GRCh37 (hg19) VCF-style: chr22-30069476-G-C.
Other names: c.1340+1G>C (NM_016418.5, NM_181832.3, NM_001407060.1 and 2 more transcripts); c.1226+1G>C (NM_001407056.1, NM_001407053.1); c.1109+1G>C (NM_001407067.1); c.806+1G>C (NM_001407065.1); c.1205+1G>C (NM_001407059.1, NM_001407057.1); c.448-21265G>C (NM_181833.3); c.1217+1G>C (NM_001407058.1, NM_181829.3, NM_001407054.1); c.1082+1G>C (NM_001407062.1); and 2 more.
Identifiers: ClinVar variation 2664991 (VCV002664991.2), dbSNP rs2147084279, ClinGen allele CA411148746.
Genomic context (GRCh38, chr22:29,673,487, plus strand): 5'-GCAGAAGGTGCTGGAAGCCGAGGTGCTGGCACTGAAGATGGCTGAGGAGTCAGAGAGGAG[G>C]TGAGGGGGCACCGGGCACCAGACTGGCGAGGAGGCTGGCGAAGGGCCGCAGACCAGCCTG-3'

ClinVar aggregate classification (germline): Likely pathogenic (1 of 4 stars; one submission).

Conditions:
SMARCB1-related schwannomatosis. Also called: SWNTS1; Schwannomatosis 1. Identifiers: Orphanet 93921, MedGen C4048809, MONDO:0024517, OMIM 162091. Disease mechanism: loss of function.

Submission:

Institute of Human Genetics, University of Leipzig Medical Center
Classification: Likely pathogenic for SMARCB1-related schwannomatosis. Last evaluated: 2023-11-23. Review status: criteria provided, single submitter. Criteria: ACMG Guidelines, 2015. Collection method: clinical testing. Allele origin: unknown. Inheritance: Autosomal dominant inheritance. Affected: yes.
Comment: Criteria applied: PVS1,PM2_SUP